The following is an entry in ClinVar:

NM_004370.6(COL12A1):c.3651C>T (p.Thr1217=)

Gene: COL12A1 (collagen type XII alpha 1 chain; minus strand). Cytogenetic location: 6q13.
Variant type: single nucleotide variant.
Coding change: c.3651C>T on transcript NM_004370.6 (MANE Select); coding-DNA position 3651, C replaced by T.
Protein change: p.Thr1217=; no amino-acid change (threonine 1217 retained).
Molecular consequence: synonymous variant.
Genome position (GRCh38, 1-based): chr6:75,152,397, G>A on the plus strand (C>T on the coding strand, the complement: COL12A1 is on the minus strand). VCF-style: chr6-75152397-G-A. GRCh37 (hg19) VCF-style: chr6-75862113-G-A.
Other names: p.Thr1217=; c.159C>T, p.Thr53= (NM_080645.3).
Identifiers: ClinVar variation 542497 (VCV000542497.31), dbSNP rs140319205, ClinGen allele CA3893658.

ClinVar aggregate classification (germline): Benign/Likely benign. Review status: criteria provided, multiple submitters, no conflicts (2 of 4 stars). 6 submissions from 6 submitters: Benign (2); Likely benign (4). Last evaluated 2026-03-30.

Conditions:
Ullrich congenital muscular dystrophy 2 (UCMD2). Identifiers: Orphanet 75840, MedGen C4225314, MONDO:0014654, OMIM 616470.
Bethlem myopathy 2 (BTHLM2). Identifiers: Orphanet 536516, Orphanet 610, MedGen C4225313, MONDO:0034022, OMIM 616471.

Allele frequency attached by ClinVar (database versions not stated): gnomAD exomes 0.00034 and 0.00082; ExAC 0.00101; ESP Exome Variant Server 0.00313; gnomAD 0.00325 and 0.00348; TOPMed 0.00363; 1000 Genomes Project 0.00499; 1000 Genomes Project 30x 0.00531.
gnomAD v4.1: 1,004 of 1,613,588 alleles (0.062%); highest among the groups gnomAD compares: African/African-American, 1.2%; 7 homozygotes.

Submissions (6):

Women's Health and Genetics/Laboratory Corporation of America, LabCorp
Classification: Likely benign. Last evaluated: 2026-03-30. Review status: criteria provided, single submitter. Criteria: LabCorp Variant Classification Summary - May 2015. Collection method: clinical testing. Allele origin: germline.

CeGaT Center for Human Genetics Tuebingen
Classification: Likely benign. Last evaluated: 2026-02-01. Review status: criteria provided, single submitter. Criteria: CeGaT Center For Human Genetics Tuebingen Variant Classification Criteria Version 2. Collection method: clinical testing. Allele origin: germline. Affected: yes. Observed: 2 variant alleles.
Comment: COL12A1: BP4, BP7, BS1

Labcorp Genetics (formerly Invitae), Labcorp
Classification: Benign for Bethlem myopathy 2; Ullrich congenital muscular dystrophy 2. Last evaluated: 2026-01-20. Review status: criteria provided, single submitter. Criteria: Invitae Variant Classification Sherloc (09022015). Collection method: clinical testing. Allele origin: germline.

Mayo Clinic Laboratories, Mayo Clinic
Classification: Benign. Last evaluated: 2025-06-30. Review status: criteria provided, single submitter. Criteria: ACMG Guidelines, 2015. Collection method: clinical testing. Allele origin: germline. Observed: 2 variant alleles.
Comment: BS1, BS2, BP4, BP7

Blueprint Genetics
Classification: Likely benign. Last evaluated: 2024-09-02. Review status: criteria provided, single submitter. Criteria: ACMG Guidelines, 2015. Collection method: clinical testing. Allele origin: germline.

GeneDx
Classification: Likely benign. Last evaluated: 2021-03-08. Review status: criteria provided, single submitter. Criteria: GeneDx Variant Classification Process June 2021. Collection method: clinical testing. Allele origin: germline. Affected: yes.